The following is an entry in ClinVar:

NM_004655.4(AXIN2):c.585A>G (p.Ile195Met)

Gene: AXIN2 (axin 2; minus strand). Cytogenetic location: 17q24.1.
Variant type: single nucleotide variant.
Coding change: c.585A>G on transcript NM_004655.4 (MANE Select); coding-DNA position 585, A replaced by G.
Protein change: p.Ile195Met; replaces isoleucine 195 with methionine.
Molecular consequence: missense variant.
Genome position (GRCh38, 1-based): chr17:65,558,036, T>C on the plus strand (A>G on the coding strand, the complement: AXIN2 is on the minus strand). VCF-style: chr17-65558036-T-C. GRCh37 (hg19) VCF-style: chr17-63554154-T-C.
Other names: c.585A>G (LRG_296t1); c.585A>G, p.Ile195Met (NM_001363813.1); short protein forms I195M.
Identifiers: ClinVar variation 657564 (VCV000657564.15), dbSNP rs771501783, ClinGen allele CA8719028.

ClinVar aggregate classification (germline): Uncertain significance. Review status: criteria provided, multiple submitters, no conflicts (2 of 4 stars). 3 submissions from 3 submitters: Uncertain significance (3). Last evaluated 2026-01-08.

Conditions:
Oligodontia-cancer predisposition syndrome. Also called: TOOTH AGENESIS-COLORECTAL CANCER SYNDROME. Identifiers: Orphanet 300576, MedGen C1837750, MONDO:0012075, OMIM 608615. Disease mechanism: loss of function.
Hereditary cancer-predisposing syndrome. Also called: Hereditary neoplastic syndrome; Neoplastic Syndromes, Hereditary; Hereditary Cancer Syndrome; Tumor predisposition. Identifiers: Orphanet 140162, MedGen C0027672, MeSH D009386, MONDO:0015356.

Allele frequency attached by ClinVar (database versions not stated): gnomAD exomes below 0.00001; ExAC 0.00001.
gnomAD v4.1: 1 of 1,614,174 alleles (0.000062%); highest among the groups gnomAD compares: Non-Finnish European, 0.000085%; no homozygotes.

Submissions (3):

Labcorp Genetics (formerly Invitae), Labcorp
Classification: Uncertain significance for Oligodontia-cancer predisposition syndrome. Last evaluated: 2026-01-08. Review status: criteria provided, single submitter. Criteria: Invitae Variant Classification Sherloc (09022015). Collection method: clinical testing. Allele origin: germline.
Comment: This sequence change replaces isoleucine, which is neutral and non-polar, with methionine, which is neutral and non-polar, at codon 195 of the AXIN2 protein (p.Ile195Met). This variant is not present in population databases (gnomAD no frequency). This variant has not been reported in the literature in individuals affected with AXIN2-related conditions. ClinVar contains an entry for this variant (Variation ID: 657564). Invitae Evidence Modeling of protein sequence and biophysical properties (such as structural, functional, and spatial information, amino acid conservation, physicochemical variation, residue mobility, and thermodynamic stability) has been performed for this missense variant. However, the output from this modeling did not meet the statistical confidence thresholds required to predict the impact of this variant on AXIN2 protein function. In summary, the available evidence is currently insufficient to determine the role of this variant in disease. Therefore, it has been classified as a Variant of Uncertain Significance.

Ambry Genetics
Classification: Uncertain significance for Hereditary cancer-predisposing syndrome. Last evaluated: 2024-02-21. Review status: criteria provided, single submitter. Criteria: Ambry Variant Classification Scheme 2023. Collection method: clinical testing. Allele origin: germline.
Comment: The p.I195M variant (also known as c.585A>G), located in coding exon 1 of the AXIN2 gene, results from an A to G substitution at nucleotide position 585. The isoleucine at codon 195 is replaced by methionine, an amino acid with highly similar properties. This amino acid position is conserved. In addition, this alteration is predicted to be tolerated by in silico analysis. Since supporting evidence is limited at this time, the clinical significance of this alteration remains unclear.

GeneDx
Classification: Uncertain significance. Last evaluated: 2019-09-30. Review status: criteria provided, single submitter. Criteria: GeneDx Variant Classification Process June 2021. Collection method: clinical testing. Allele origin: germline. Affected: yes.
Comment: Not observed at a significant frequency in large population cohorts (Lek 2016); In silico analysis, which includes protein predictors and evolutionary conservation, supports that this variant does not alter protein structure/function; Has not been previously published as pathogenic or benign to our knowledge